The following is an entry in ClinVar:

NM_001042517.2(DIAPH3):c.3497del (p.Lys1166fs)

Gene: DIAPH3 (diaphanous related formin 3; minus strand). Cytogenetic location: 13q21.2.
Variant type: Deletion.
Coding change: c.3497del on transcript NM_001042517.2 (MANE Select); coding-DNA position 3497, one base deleted (A; older notation c.3497delA).
Protein change: p.Lys1166fs; shifts the reading frame from lysine 1166.
Molecular consequence: frameshift variant.
Genome position (GRCh38, 1-based): chr13:59,666,669, T deleted on the plus strand (A on the coding strand, the reverse complement: DIAPH3 is on the minus strand); the first of 6 consecutive T bases (chr13:59,666,669-59,666,674); deleting any one gives the same sequence. VCF-style (leftmost placement, unchanged base first): chr13-59666668-CT-C. GRCh37 (hg19) VCF-style: chr13-60240802-CT-C.
Other names: c.3464del, p.Lys1155fs (NM_001258366.2); c.3359del, p.Lys1120fs (NM_001258367.2); c.3287del, p.Lys1096fs (NM_001258368.2); short protein forms K1096fs, K1120fs, K1155fs, K1166fs.
Identifiers: ClinVar variation 1907354 (VCV001907354.5), dbSNP rs749399334, ClinGen allele CA6996019.

ClinVar aggregate classification (germline): Uncertain significance (1 of 4 stars; one submission).

Submission:

Labcorp Genetics (formerly Invitae), Labcorp
Classification: Uncertain significance. Last evaluated: 2023-10-02. Review status: criteria provided, single submitter. Criteria: Invitae Variant Classification Sherloc (09022015). Collection method: clinical testing. Allele origin: germline.
Comment: This sequence change results in a frameshift in the DIAPH3 gene (p.Lys1166Argfs*49). While this is not anticipated to result in nonsense mediated decay, it is expected to disrupt the last 28 amino acid(s) of the DIAPH3 protein and extend the protein by 20 additional amino acid residues. This variant is present in population databases (rs749399334, gnomAD 0.003%). This variant has not been reported in the literature in individuals affected with DIAPH3-related conditions. ClinVar contains an entry for this variant (Variation ID: 1907354). Experimental studies and prediction algorithms are not available or were not evaluated, and the functional significance of this variant is currently unknown. In summary, the available evidence is currently insufficient to determine the role of this variant in disease. Therefore, it has been classified as a Variant of Uncertain Significance.